The following is an entry in ClinVar:

NM_001429.4(EP300):c.6277G>A (p.Ala2093Thr)

Gene: EP300 (E1A binding protein p300; plus strand). Cytogenetic location: 22q13.2.
Variant type: single nucleotide variant.
Coding change: c.6277G>A on transcript NM_001429.4 (MANE Select); coding-DNA position 6277, G replaced by A.
Protein change: p.Ala2093Thr; replaces alanine 2093 with threonine.
Molecular consequence: missense variant.
Genome position (GRCh38, 1-based): chr22:41,177,988, G>A. VCF-style: chr22-41177988-G-A. GRCh37 (hg19) VCF-style: chr22-41573992-G-A.
Other names: c.6199G>A, p.Ala2067Thr (NM_001362843.2); short protein forms A2067T, A2093T.
Identifiers: ClinVar variation 3346674 (VCV003346674.1).

ClinVar aggregate classification (germline): Uncertain significance (0 of 4 stars; one submission).

Conditions:
EP300-related disorder. Also called: EP300-related condition; EP300-related disorders.

gnomAD v4.1: 1 of 1,614,158 alleles (0.000062%); no homozygotes.

Submission:

PreventionGenetics, part of Exact Sciences
Classification: Uncertain significance for EP300-related condition. Last evaluated: 2024-04-16. Review status: no assertion criteria provided. Collection method: clinical testing. Allele origin: germline.
Comment: The EP300 c.6277G>A variant is predicted to result in the amino acid substitution p.Ala2093Thr. To our knowledge, this variant has not been reported in the literature or in a large population database, indicating this variant is rare. At this time, the clinical significance of this variant is uncertain due to the absence of conclusive functional and genetic evidence.